The following is an entry in ClinVar:

ClinVar aggregate classification (germline): Pathogenic (1 of 4 stars; one submission).

Conditions:
KBG syndrome (KBGS). Also called: ANKRD11-Related KBG Syndrome. Identifiers: Orphanet 2332, MedGen C0220687, MONDO:0007846, OMIM 148050.

Submission:

Institute for Genomic Medicine (IGM) Clinical Laboratory, Nationwide Children's Hospital
Classification: Pathogenic for KBG syndrome. Last evaluated: 2017-10-24. Review status: criteria provided, single submitter. Criteria: ACMG Guidelines, 2015. Collection method: clinical testing. Allele origin: germline. Affected: yes.
Comment: [ACMG/AMP: PVS1, PS2, PM2, PM4] This alteration is a null variant in a gene where LOF is a known mechanism of disease [PVS1], is de novo in origin as it was not detected in the submitted parental specimens (identity confirmed) [PS2], is absent from or rarely observed in large-scale population databases [PM2], is in a non-repetitive region and results in a protein length change [PM4].

NM_013275.6(ANKRD11):c.3948del (p.Gly1316_Leu1317insTer)

Gene: ANKRD11 (ankyrin repeat domain 11; minus strand). Cytogenetic location: 16q24.3.
Variant type: Deletion.
Coding change: c.3948del on transcript NM_013275.6 (MANE Select); coding-DNA position 3948, one base deleted (G; older notation c.3948delG).
Protein change: p.Gly1316_Leu1317insTer.
Molecular consequence: frameshift variant.
Genome position (GRCh38, 1-based): chr16:89,282,594, C deleted on the plus strand (G on the coding strand, the reverse complement: ANKRD11 is on the minus strand); the first of 4 consecutive C bases (chr16:89,282,594-89,282,597); deleting any one gives the same sequence. VCF-style (leftmost placement, unchanged base first): chr16-89282593-GC-G. GRCh37 (hg19) VCF-style: chr16-89349001-GC-G.
Other names: c.3948del, p.Gly1316_Leu1317insTer (NM_001256182.2, NM_001256183.2).
Identifiers: ClinVar variation 973259 (VCV000973259.5), dbSNP rs2034350757, ClinGen allele CA1139664925.